The following is an entry in ClinVar:

NM_020223.4(FAM20C):c.956+66G>C

Gene: FAM20C (FAM20C golgi associated secretory pathway kinase; plus strand). Cytogenetic location: 7p22.3.
Variant type: single nucleotide variant.
Coding change: c.956+66G>C on transcript NM_020223.4 (MANE Select); 66 bases into the intron after coding-DNA position 956, G replaced by C.
Molecular consequence: intron variant.
Genome position (GRCh38, 1-based): chr7:246,573, G>C. VCF-style: chr7-246573-G-C. GRCh37 (hg19) VCF-style: chr7-286539-G-C.
Identifiers: ClinVar variation 1703350 (VCV001703350.2), dbSNP rs139633939, ClinGen allele CA152271414.
Genomic context (GRCh38, chr7:246,573, plus strand): 5'-CCCTTCCTTCCTCCCTCCATCCGCGCTCCCGTGCGCTCAGACCCACCGGTGAGTGAGGCC[G>C]TCCTGCACTGGACACAGCAGGACGTCATCGTCACCTTCGTCACCATCAGGCAGCGCCGGT-3'

ClinVar aggregate classification (germline): Likely benign (1 of 4 stars; one submission).

Allele frequency attached by ClinVar (database versions not stated): 1000 Genomes Project 0.01238; 1000 Genomes Project 30x 0.01327.
gnomAD v4.1: 2,748 of 416,992 alleles (0.66%); highest among the groups gnomAD compares: African/African-American, 17%; 85 homozygotes.

Submission:

GeneDx
Classification: Likely benign. Last evaluated: 2022-02-04. Review status: criteria provided, single submitter. Criteria: GeneDx Variant Classification Process June 2021. Collection method: clinical testing. Allele origin: germline. Affected: yes.
Comment: See Variant Classification Assertion Criteria.